The following is an entry in ClinVar:

NM_015425.6(POLR1A):c.3412_3413delinsGC (p.Lys1138Ala)

Gene: POLR1A (RNA polymerase I subunit A; minus strand). Cytogenetic location: 2p11.2.
Variant type: Indel.
Coding change: c.3412_3413delinsGC on transcript NM_015425.6 (MANE Select); coding-DNA positions 3412 to 3413, AA replaced by GC.
Protein change: p.Lys1138Ala; replaces lysine 1138 with alanine.
Molecular consequence: missense variant.
Genome position (GRCh38, 1-based): chr2:86,042,048-86,042,049, TT replaced by GC on the plus strand (AA replaced by GC on the coding strand, the reverse complement: POLR1A is on the minus strand). VCF-style: chr2-86042048-TT-GC. GRCh37 (hg19) VCF-style: chr2-86269171-TT-GC.
Other names: short protein forms K1138A.
Identifiers: ClinVar variation 1362302 (VCV001362302.6), dbSNP rs2104389722, ClinGen allele CA2573135897.
Genomic context (GRCh38, chr2:86,042,048, plus strand): 5'-GATGCAAAGTAGATGTCAGGACGCCAGACAGACAGACTGGGGTCAGGACAAGCGGCCGCC[TT>GC]CTTCTGGTATTTCCTTCGGCTTTCCTCATCCAACTCATACCACATCCTCAGCATCTGAAC-3'
Protein context (NP_056240.2, residues 1128-1148): DEESRRKYQK[Lys1138Ala]AAACPDPSLS

ClinVar aggregate classification (germline): Uncertain significance (1 of 4 stars; one submission).

Submission:

Labcorp Genetics (formerly Invitae), Labcorp
Classification: Uncertain significance. Last evaluated: 2021-11-26. Review status: criteria provided, single submitter. Criteria: Invitae Variant Classification Sherloc (09022015). Collection method: clinical testing. Allele origin: germline.
Comment: This sequence change replaces lysine, which is basic and polar, with alanine, which is neutral and non-polar, at codon 1138 of the POLR1A protein (p.Lys1138Ala). Information on the frequency of this variant in the gnomAD database is not available, as this variant may be reported differently in the database. This variant has not been reported in the literature in individuals affected with POLR1A-related conditions. Algorithms developed to predict the effect of missense changes on protein structure and function are either unavailable or do not agree on the potential impact of this missense change (SIFT: "Not Available"; PolyPhen-2: "Possibly Damaging"; Align-GVGD: "Not Available"). In summary, the available evidence is currently insufficient to determine the role of this variant in disease. Therefore, it has been classified as a Variant of Uncertain Significance.